The following is an entry in ClinVar:

NM_001754.5(RUNX1):c.1095C>A (p.Gly365=)

Gene: RUNX1 (RUNX family transcription factor 1; minus strand). Cytogenetic location: 21q22.12.
Variant type: single nucleotide variant.
Coding change: c.1095C>A on transcript NM_001754.5 (MANE Select); coding-DNA position 1095, C replaced by A.
Protein change: p.Gly365=; no amino-acid change (glycine 365 retained).
Molecular consequence: synonymous variant.
Genome position (GRCh38, 1-based): chr21:34,792,483, G>T on the plus strand (C>A on the coding strand, the complement: RUNX1 is on the minus strand). VCF-style: chr21-34792483-G-T. GRCh37 (hg19) VCF-style: chr21-36164780-G-T.
Other names: NM_001754.5(RUNX1):c.1095C>A; p.Gly365=; c.1014C>A, p.Gly338= (NM_001001890.3).
Identifiers: ClinVar variation 2021682 (VCV002021682.7), dbSNP rs2516822600, ClinGen allele CA512341309.

ClinVar aggregate classification (germline): Likely benign. Review status: reviewed by expert panel (3 of 4 stars). 2 submissions from 2 submitters: Likely benign (1). 1 of the submissions does not count toward it. Last evaluated 2026-04-29.

Conditions:
Hereditary thrombocytopenia and hematological cancer predisposition syndrome associated with RUNX1. Also called: Familial Platelet Disorder with Propensity to Acute Myelogenous Leukemia; Familial thrombocytopenia with propensity to acute myelogenous leukemia; PLATELET DISORDER, ASPIRIN-LIKE; RUNX1 Familial Platelet Disorder with Associated Myeloid Malignancies. Identifiers: Orphanet 71290, MedGen C1832388, MeSH C563324, MONDO:0100083, OMIM 601399.
Hereditary thrombocytopenia and hematologic cancer predisposition syndrome. Identifiers: Orphanet 71290, MedGen CN281654, MONDO:0011071.

Allele frequency attached by ClinVar (database versions not stated): gnomAD exomes below 0.00001.
gnomAD v4.1: 1 of 1,590,818 alleles (0.000063%); highest among the groups gnomAD compares: Non-Finnish European, 0.000086%; no homozygotes.

Submissions (2):

ClinGen Myeloid Malignancy Variant Curation Expert Panel
Classification: Likely benign for Hereditary thrombocytopenia and hematologic cancer predisposition syndrome. Last evaluated: 2026-04-29. Review status: reviewed by expert panel. Criteria: ClinGen MyeloMalig ACMG Specifications V3.1. Collection method: curation. Allele origin: germline. Inheritance: Autosomal dominant inheritance.
Comment: NM_001754.5(RUNX1):c.1095C>A (p.Gly365=) is a synonymous variant which has a has a SpliceAI score ≤ 0.20 (0.0) (BP4, BP7). This variant has a MAF ≤ 0.00005 in gnomAD v4 across all subpopulations with at least 20X coverage for RUNX1 (PM2_supporting). In summary, this variant meets criteria to be classified as likely benign. ACMG/AMP criteria applied, as specified by the Myeloid Malignancy Variant Curation Expert Panel for RUNX1: BP4, BP7, PM2_supporting.

Labcorp Genetics (formerly Invitae), Labcorp
Classification: Likely benign for Hereditary thrombocytopenia and hematological cancer predisposition syndrome associated with RUNX1. Last evaluated: 2022-10-27. Review status: criteria provided, single submitter. Criteria: Invitae Variant Classification Sherloc (09022015). Collection method: clinical testing. Allele origin: germline. Not counted in ClinVar's aggregate classification.